The following is an entry in ClinVar:

NM_000036.3(AMPD1):c.216-9C>T

Gene: AMPD1 (adenosine monophosphate deaminase 1; minus strand). Cytogenetic location: 1p13.2.
Variant type: single nucleotide variant.
Coding change: c.216-9C>T on transcript NM_000036.3 (MANE Select); 9 bases into the intron before coding-DNA position 216, C replaced by T.
Molecular consequence: intron variant.
Genome position (GRCh38, 1-based): chr1:114,686,919, G>A on the plus strand (C>T on the coding strand, the complement: AMPD1 is on the minus strand). VCF-style: chr1-114686919-G-A. GRCh37 (hg19) VCF-style: chr1-115229540-G-A.
Other names: c.204-9C>T (NM_001172626.2); c.315-9C>T (NM_000036.2).
Identifiers: ClinVar variation 1326503 (VCV001326503.12), dbSNP rs570832252, ClinGen allele CA1020493.

ClinVar aggregate classification (germline): Conflicting classifications of pathogenicity. Review status: criteria provided, conflicting classifications (1 of 4 stars). 4 submissions from 4 submitters: Uncertain significance (1); Likely benign (2). 1 of the submissions does not count toward it. Last evaluated 2025-10-18.

Conditions:
AMPD1-related disorder. Also called: AMPD1-related condition.
Muscle AMP deaminase deficiency (MMDD). Also called: Myoadenylate deaminase deficiency, myopathy due to; Adenosine monophosphate deaminase 1 deficiency; AMP deaminase 1 deficiency; Adenosine Monophosphate Deaminase 1; ADENOSINE MONOPHOSPHATE DEAMINASE-1 DEFICIENCY, MYOPATHY DUE TO; AMPD1 DEFICIENCY. Identifiers: Orphanet 45, MedGen C3714933, MONDO:0014220, OMIM 615511.

Allele frequency attached by ClinVar (database versions not stated): gnomAD exomes 0.00006 and 0.00012; ExAC 0.00008; 1000 Genomes Project 30x 0.00016; 1000 Genomes Project 0.00020; gnomAD 0.00038 and 0.00040; TOPMed 0.00056.
gnomAD v4.1: 158 of 1,614,078 alleles (0.0098%); highest among the groups gnomAD compares: African/African-American, 0.15%; no homozygotes.

Submissions (4):

Labcorp Genetics (formerly Invitae), Labcorp
Classification: Likely benign for Muscle AMP deaminase deficiency. Last evaluated: 2025-10-18. Review status: criteria provided, single submitter. Criteria: Invitae Variant Classification Sherloc (09022015). Collection method: clinical testing. Allele origin: germline.

Blueprint Genetics
Classification: Likely benign. Last evaluated: 2023-12-27. Review status: criteria provided, single submitter. Criteria: ACMG Guidelines, 2015. Collection method: clinical testing. Allele origin: germline.

GeneDx
Classification: Uncertain significance. Last evaluated: 2021-05-24. Review status: criteria provided, single submitter. Criteria: GeneDx Variant Classification Process June 2021. Collection method: clinical testing. Allele origin: germline. Affected: yes.
Comment: Has not been previously published as pathogenic or benign to our knowledge; In-silico analysis, which includes splice predictors and evolutionary conservation, is inconclusive as to whether the variant alters gene splicing. In the absence of RNA/functional studies, the actual effect of this sequence change is unknown.

PreventionGenetics, part of Exact Sciences
Classification: Likely benign for AMPD1-related condition. Last evaluated: 2022-03-16. Review status: no assertion criteria provided. Collection method: clinical testing. Allele origin: germline. Not counted in ClinVar's aggregate classification.
Comment: This variant is classified as likely benign based on ACMG/AMP sequence variant interpretation guidelines (Richards et al. 2015 PMID: 25741868, with internal and published modifications).